The following is an entry in ClinVar:

NM_000121.4(EPOR):c.*684C>A

Gene: EPOR (erythropoietin receptor; minus strand). Cytogenetic location: 19p13.2.
Variant type: single nucleotide variant.
Coding change: c.*684C>A on transcript NM_000121.4 (MANE Select); 684 bases downstream of the stop codon, C replaced by A.
Molecular consequence: 3 prime UTR variant. On other transcripts: non-coding transcript variant (1).
Genome position (GRCh38, 1-based): chr19:11,377,300, G>T on the plus strand (C>A on the coding strand, the complement: EPOR is on the minus strand). VCF-style: chr19-11377300-G-T. GRCh37 (hg19) VCF-style: chr19-11487976-G-T.
Identifiers: ClinVar variation 328130 (VCV000328130.5), dbSNP rs542954029, ClinGen allele CA9210430.

ClinVar aggregate classification (germline): Benign (1 of 4 stars; one submission).

Conditions:
Primary familial polycythemia due to EPO receptor mutation. Also called: ERYTHROCYTOSIS, SOMATIC; POLYCYTHEMIA, PRIMARY FAMILIAL AND CONGENITAL; Primary Familial Congenital Polycythemia; Erythrocytosis, familial, 1. Identifiers: Orphanet 90042, MedGen C4551637, MONDO:0007572, OMIM 133100.

Allele frequency attached by ClinVar (database versions not stated): gnomAD 0.00004 and 0.00023; TOPMed 0.00006; 1000 Genomes Project 0.00100; gnomAD exomes 0.00106; 1000 Genomes Project 30x 0.00125; ExAC 0.00381.

Submission:

Illumina Laboratory Services, Illumina
Classification: Benign for Primary familial polycythemia due to EPO receptor mutation. Last evaluated: 2018-01-12. Review status: criteria provided, single submitter. Criteria: ICSL Variant Classification Criteria 13 December 2019. Collection method: clinical testing. Allele origin: germline.
Comment: This variant was observed in the ICSL laboratory as part of a predisposition screen in an ostensibly healthy population. It had not been previously curated by ICSL or reported in the Human Gene Mutation Database (HGMD: prior to June 1st, 2018), and was therefore a candidate for classification through an automated scoring system. Utilizing variant allele frequency, disease prevalence and penetrance estimates, and inheritance mode, an automated score was calculated to assess if this variant is too frequent to cause the disease. Based on the score and internal cut-off values, a variant classified as benign is not then subjected to further curation. The score for this variant resulted in a classification of benign for this disease.